The following is an entry in ClinVar:

ClinVar aggregate classification (germline): Uncertain significance (1 of 4 stars; one submission).

gnomAD v4.1: 1 of 1,583,606 alleles (0.000063%); highest among the groups gnomAD compares: African/African-American, 0.0014%; no homozygotes.

Submission:

Labcorp Genetics (formerly Invitae), Labcorp
Classification: Uncertain significance. Last evaluated: 2025-07-29. Review status: criteria provided, single submitter. Criteria: Invitae Variant Classification Sherloc (09022015). Collection method: clinical testing. Allele origin: germline.
Comment: This sequence change falls in intron 3 of the ARL3 gene. It does not directly change the encoded amino acid sequence of the ARL3 protein. It affects a nucleotide within the consensus splice site. This variant is not present in population databases (gnomAD no frequency). This variant has not been reported in the literature in individuals affected with ARL3-related conditions. Variants that disrupt the consensus splice site are a relatively common cause of aberrant splicing (PMID: 17576681, 9536098). Algorithms developed to predict the effect of sequence changes on RNA splicing suggest that this variant is not likely to affect RNA splicing. In summary, the available evidence is currently insufficient to determine the role of this variant in disease. Therefore, it has been classified as a Variant of Uncertain Significance.

Literature cited by the submitters: PubMed 17576681; PubMed 9536098.

NM_004311.4(ARL3):c.265-3T>C

Gene: ARL3 (ARF like GTPase 3; minus strand). Cytogenetic location: 10q24.32.
Variant type: single nucleotide variant.
Coding change: c.265-3T>C on transcript NM_004311.4 (MANE Select); 3 bases into the intron before coding-DNA position 265, T replaced by C.
Molecular consequence: intron variant.
Genome position (GRCh38, 1-based): chr10:102,689,946, A>G on the plus strand (T>C on the coding strand, the complement: ARL3 is on the minus strand). VCF-style: chr10-102689946-A-G. GRCh37 (hg19) VCF-style: chr10-104449703-A-G.
Identifiers: ClinVar variation 4769348 (VCV004769348.1).
Genomic context (GRCh38, chr10:102,689,946, plus strand): 5'-TATTTACCTGACCCGTCTCTTCAAATCTTTTTCTGTCTGCACTGTCGATTACATATATCT[A>G]TAAAGGAAAAGAAGAAGGTTATTTCAGTGAGCAGAGATGGAAAAGACAGGGCAATTTCTG-3'